The following is an entry in ClinVar:

NM_001039469.3(MARK2):c.644dup (p.Tyr215Ter)

Gene: MARK2 (microtubule affinity regulating kinase 2; plus strand). Cytogenetic location: 11q13.1.
Variant type: Duplication.
Coding change: c.644dup on transcript NM_001039469.3 (MANE Select); coding-DNA position 644, one base duplicated (A; older notation c.644dupA).
Protein change: p.Tyr215Ter; replaces tyrosine 215 with a stop codon.
Molecular consequence: nonsense.
Genome position (GRCh38, 1-based): chr11:63,899,986, A duplicated. VCF-style (leftmost placement, unchanged base first): chr11-63899985-T-TA. GRCh37 (hg19) VCF-style: chr11-63667457-T-TA.
Other names: c.644dup, p.Tyr215Ter (NM_001163296.2, NM_001163297.2, NM_004954.5); c.545dup, p.Tyr182Ter (NM_017490.4); short protein forms Y182*, Y215*.
Identifiers: ClinVar variation 4879289 (VCV004879289.1).

ClinVar aggregate classification (germline): Likely pathogenic (1 of 4 stars; one submission).

Conditions:
Intellectual developmental disorder, autosomal dominant 76. Identifiers: MedGen C6012756, MONDO:0979575, OMIM 621285.

Submission:

Clinical Genomics Laboratory, Washington University in St. Louis
Classification: Likely pathogenic for Intellectual developmental disorder, autosomal dominant 76. Last evaluated: 2026-05-02. Review status: criteria provided, single submitter. Criteria: ACMG Guidelines, 2015. Collection method: clinical testing. Allele origin: germline. Affected: yes.
Comment: The MARK2 c.644dup (p.Tyr215*) variant, to our knowledge, has not been reported in the medical literature. This variant causes a frameshift by duplicating one nucleotide, leading to a premature termination codon, which is predicted to lead to nonsense mediated decay. This variant is absent from the general population (gnomAD v2.1.1), indicating it is not a common variant. Based on available information and the ACMG/AMP guidelines for variant interpretation (Richards S et al., PMID: 25741868), this variant is classified as likely pathogenic.